The following is an entry in ClinVar:

NM_005228.5(EGFR):c.1207+4T>C

Genes: EGFR (epidermal growth factor receptor; plus strand), LOC126860048 (P300/CBP strongly-dependent group 1 enhancer GRCh37_chr7:55223847-55225046; plus strand). Cytogenetic location: 7p11.2.
Variant type: single nucleotide variant.
Coding change: c.1207+4T>C on transcript NM_005228.5 (MANE Select); 4 bases into the intron after coding-DNA position 1207, T replaced by C.
Molecular consequence: intron variant. On other transcripts: missense variant (1).
Genome position (GRCh38, 1-based): chr7:55,156,836, T>C. VCF-style: chr7-55156836-T-C. GRCh37 (hg19) VCF-style: chr7-55224529-T-C.
Other names: c.1211T>C, p.Leu404Ser (NM_201283.2); c.1072+4T>C (NM_001346899.2, NM_001346897.2); c.406+4T>C (NM_001346941.2); c.1207+4T>C (NM_001346898.2, NM_201284.2, NM_201282.2); c.1048+4T>C (NM_001346900.2); short protein forms L404S.
Identifiers: ClinVar variation 3632488 (VCV003632488.2).

ClinVar aggregate classification (germline): Uncertain significance (1 of 4 stars; one submission).

Conditions:
EGFR-related lung cancer (EGFR). Identifiers: MedGen CN130014.

gnomAD v4.1: 1 of 1,614,246 alleles (0.000062%); highest among the groups gnomAD compares: Non-Finnish European, 0.000085%; no homozygotes.

Submission:

Labcorp Genetics (formerly Invitae), Labcorp
Classification: Uncertain significance for EGFR-related lung cancer. Last evaluated: 2024-11-05. Review status: criteria provided, single submitter. Criteria: Invitae Variant Classification Sherloc (09022015). Collection method: clinical testing. Allele origin: germline.
Comment: This sequence change falls in intron 10 of the EGFR gene. It does not directly change the encoded amino acid sequence of the EGFR protein. It affects a nucleotide within the consensus splice site. This variant is not present in population databases (gnomAD no frequency). This variant has not been reported in the literature in individuals affected with EGFR-related conditions. Variants that disrupt the consensus splice site are a relatively common cause of aberrant splicing (PMID: 17576681, 9536098). Algorithms developed to predict the effect of sequence changes on RNA splicing suggest that this variant is not likely to affect RNA splicing. In summary, the available evidence is currently insufficient to determine the role of this variant in disease. Therefore, it has been classified as a Variant of Uncertain Significance.

Literature cited by the submitters: PubMed 17576681; PubMed 9536098.